The following is an entry in ClinVar:

NM_000257.4(MYH7):c.2846A>G (p.Glu949Gly)

Gene: MYH7 (myosin heavy chain 7; minus strand). Cytogenetic location: 14q11.2.
Variant type: single nucleotide variant.
Coding change: c.2846A>G on transcript NM_000257.4 (MANE Select); coding-DNA position 2846, A replaced by G.
Protein change: p.Glu949Gly; replaces glutamic acid 949 with glycine.
Molecular consequence: missense variant.
Genome position (GRCh38, 1-based): chr14:23,423,983, T>C on the plus strand (A>G on the coding strand, the complement: MYH7 is on the minus strand). VCF-style: chr14-23423983-T-C. GRCh37 (hg19) VCF-style: chr14-23893192-T-C.
Other names: c.2846A>G, p.Glu949Gly (NM_001407004.1); short protein forms E949G.
Identifiers: ClinVar variation 2782613 (VCV002782613.3), dbSNP rs397516175, ClinGen allele CA389046842.

ClinVar aggregate classification (germline): Uncertain significance (1 of 4 stars; one submission).

Conditions:
Hypertrophic cardiomyopathy. Also called: HYPERTROPHIC MYOCARDIOPATHY. Identifiers: Orphanet 217569, MedGen C0007194, MeSH D002312, MONDO:0005045, HP:0001639.

Submission:

Labcorp Genetics (formerly Invitae), Labcorp
Classification: Uncertain significance for Hypertrophic cardiomyopathy. Last evaluated: 2022-11-23. Review status: criteria provided, single submitter. Criteria: Invitae Variant Classification Sherloc (09022015). Collection method: clinical testing. Allele origin: germline.
Comment: This sequence change replaces glutamic acid, which is acidic and polar, with glycine, which is neutral and non-polar, at codon 949 of the MYH7 protein (p.Glu949Gly). This variant is not present in population databases (gnomAD no frequency). This variant has not been reported in the literature in individuals affected with MYH7-related conditions. Advanced modeling of protein sequence and biophysical properties (such as structural, functional, and spatial information, amino acid conservation, physicochemical variation, residue mobility, and thermodynamic stability) performed at Invitae indicates that this missense variant is expected to disrupt MYH7 protein function. In summary, the available evidence is currently insufficient to determine the role of this variant in disease. Therefore, it has been classified as a Variant of Uncertain Significance.